The following is an entry in ClinVar:

NM_000540.3(RYR1):c.5303C>T (p.Thr1768Ile)

Gene: RYR1 (ryanodine receptor 1; plus strand). Cytogenetic location: 19q13.2.
Variant type: single nucleotide variant.
Coding change: c.5303C>T on transcript NM_000540.3 (MANE Select); coding-DNA position 5303, C replaced by T.
Protein change: p.Thr1768Ile; replaces threonine 1768 with isoleucine.
Molecular consequence: missense variant.
Genome position (GRCh38, 1-based): chr19:38,485,958, C>T. VCF-style: chr19-38485958-C-T. GRCh37 (hg19) VCF-style: chr19-38976598-C-T.
Other names: c.5303C>T, p.Thr1768Ile (NM_001042723.2); short protein forms T1768I.
Identifiers: ClinVar variation 2177621 (VCV002177621.5), dbSNP rs1969268506, ClinGen allele CA405654563.
Genomic context (GRCh38, chr19:38,485,958, plus strand): 5'-CTCCTGGAAGGAGCACAGAAAATGGTCACCCCCGGCATGGCCTGCCGGGAGTTGGAGTCA[C>T]CACTTCGCTGAGGCCCCCGCATCATTTCTCGCCCCCCTGTTTCGTGGCCGCTCTGCCAGC-3'
Protein context (NP_000531.2, residues 1758-1778): PRHGLPGVGV[Thr1768Ile]TSLRPPHHFS

ClinVar aggregate classification (germline): Uncertain significance. Review status: criteria provided, multiple submitters, no conflicts (2 of 4 stars). 3 submissions from 3 submitters: Uncertain significance (3). Last evaluated 2026-05-12.

Conditions:
RYR1-related disorder. Also called: RYR1-related condition; RYR1-related disorders. Identifiers: MedGen CN239331.
Inborn genetic diseases. Identifiers: MedGen C0950123, MeSH D030342.

Allele frequency attached by ClinVar (database versions not stated): gnomAD 0.00001.
gnomAD v4.1: 1 of 1,613,604 alleles (0.000062%); highest among the groups gnomAD compares: African/African-American, 0.0013%; no homozygotes.

Submissions (3):

Ambry Genetics
Classification: Uncertain significance for Inborn genetic diseases. Last evaluated: 2026-05-12. Review status: criteria provided, single submitter. Criteria: Ambry Variant Classification Scheme 2023. Collection method: clinical testing. Allele origin: germline.

Revvity Omics, Revvity
Classification: Uncertain significance. Last evaluated: 2022-05-02. Review status: criteria provided, single submitter. Criteria: ACMG Guidelines, 2015. Collection method: clinical testing. Allele origin: germline.

Labcorp Genetics (formerly Invitae), Labcorp
Classification: Uncertain significance for RYR1-related disorder. Last evaluated: 2022-04-04. Review status: criteria provided, single submitter. Criteria: Invitae Variant Classification Sherloc (09022015). Collection method: clinical testing. Allele origin: germline.
Comment: This sequence change replaces threonine, which is neutral and polar, with isoleucine, which is neutral and non-polar, at codon 1768 of the RYR1 protein (p.Thr1768Ile). This variant is not present in population databases (gnomAD no frequency). This variant has not been reported in the literature in individuals affected with RYR1-related conditions. Advanced modeling of protein sequence and biophysical properties (such as structural, functional, and spatial information, amino acid conservation, physicochemical variation, residue mobility, and thermodynamic stability) performed at Invitae indicates that this missense variant is not expected to disrupt RYR1 protein function. In summary, the available evidence is currently insufficient to determine the role of this variant in disease. Therefore, it has been classified as a Variant of Uncertain Significance.